The following is an entry in ClinVar:

NM_001377265.1(MAPT):c.1911A>T (p.Thr637=)

Gene: MAPT (microtubule associated protein tau). Cytogenetic location: 17q21.31.
Variant type: single nucleotide variant.
Coding change: c.1911A>T on transcript NM_001377265.1 (MANE Select); coding-DNA position 1911, A replaced by T.
Protein change: p.Thr637=; no amino-acid change (threonine 637 retained).
Molecular consequence: synonymous variant. On other transcripts: non-coding transcript variant (1).
Genome position (GRCh38, 1-based): chr17:45,996,577, A>T. VCF-style: chr17-45996577-A-T. GRCh37 (hg19) VCF-style: chr17-44073943-A-T.
Other names: c.1740A>T, p.Thr580= (NM_001123066.4); c.648A>T, p.Thr216= (NM_001123067.4, NM_001203251.2, NM_001377267.1); c.735A>T, p.Thr245= (NM_001203252.2, NM_005910.6); c.1713A>T, p.Thr571= (NM_001377266.1); c.561A>T, p.Thr187= (NM_001377268.1, NM_016834.5, NM_016841.5); c.1686A>T, p.Thr562= (NM_016835.5).
Identifiers: ClinVar variation 4849951 (VCV004849951.1).

ClinVar aggregate classification (germline): Likely benign (0 of 4 stars; one submission).

Conditions:
Frontotemporal dementia (FTD1). Also called: Frontotemporal Dementia with Parkinsonism-17 (FTDP-17); Frontotemporal lobe dementia (FLDEM); FRONTOTEMPORAL LOBAR DEGENERATION WITH TAU INCLUSIONS; FTLD WITH TAU INCLUSIONS; FRONTOTEMPORAL DEMENTIA WITH PARKINSONISM; FRONTOTEMPORAL LOBE DEMENTIA. Identifiers: Orphanet 282, MedGen C0338451, MONDO:0017276, OMIM 600274, HP:0002145.

Submission:

Medical Genetics Unit, Mauro Baschirotto Institute for Rare Disease
Classification: Likely benign for Frontotemporal dementia. Last evaluated: 2026-04-20. Review status: no assertion criteria provided. Collection method: clinical testing. Allele origin: germline. Affected: yes. Observed: 1 variant allele.
Comment: This variant was interpreted by the AD-FTD Italian Consortium, including the following participating institutions: Mauro Baschirotto Institute for Rare Disease, Medical Genetics Unit (Dr Paola de Gemmis, Dr Daniela Segat, Dr Chiara Stefani); Neurology Unit, Department of Biomedicine, Neurosciences and Advanced Diagnostics, University of Palermo, Italy (Dr Tommaso Piccoli); Neurology Unit, Santa Maria della Misericordia Hospital, Perugia, Italy (Dr Lorenzo Gaetani). The participating laboratories jointly contributed to patient recruitment, clinical data collection, and variant interpretation and classification.The variant c.1911A>T;p.Thr637= in MAPT is a synonymous variant. This variant has an extremely low frequency in gnomAD database with 0 homozygous individuals. This variant, to the best of our knowledge, is not reported in clinical databases. The proposed classification is likely benign.